The following is an entry in ClinVar:

NM_001613.4(ACTA2):c.333C>T (p.Pro111=)

Gene: ACTA2 (actin alpha 2, smooth muscle; minus strand). Cytogenetic location: 10q23.31.
Variant type: single nucleotide variant.
Coding change: c.333C>T on transcript NM_001613.4 (MANE Select); coding-DNA position 333, C replaced by T.
Protein change: p.Pro111=; no amino-acid change (proline 111 retained).
Molecular consequence: synonymous variant. On other transcripts: intron variant (1).
Genome position (GRCh38, 1-based): chr10:88,943,833, G>A on the plus strand (C>T on the coding strand, the complement: ACTA2 is on the minus strand). VCF-style: chr10-88943833-G-A. GRCh37 (hg19) VCF-style: chr10-90703590-G-A.
Other names: c.333C>T, p.Pro111= (NM_001406462.1, NM_001406463.1, NM_001406464.1 and 3 more transcripts); c.204C>T, p.Pro68= (NM_001406467.1, NM_001406468.1, NM_001406469.1); c.259-1964C>T (NM_001406466.1).
Identifiers: ClinVar variation 926278 (VCV000926278.5), dbSNP rs1845899945, ClinGen allele CA470735480.

ClinVar aggregate classification (germline): Likely benign. Review status: criteria provided, multiple submitters, no conflicts (2 of 4 stars). 2 submissions from 2 submitters: Likely benign (2). Last evaluated 2024-09-11.

Conditions:
Familial thoracic aortic aneurysm and aortic dissection (TAAD). Also called: Thoracic aortic aneurysms and dissections. Identifiers: Orphanet 91387, MedGen C4707243, MONDO:0019625.

Submissions (2):

All of Us Research Program, National Institutes of Health
Classification: Likely benign for Familial thoracic aortic aneurysm and aortic dissection. Last evaluated: 2024-09-11. Review status: criteria provided, single submitter. Criteria: ACMG Guidelines, 2015. Collection method: clinical testing. Allele origin: germline. Inheritance: Autosomal dominant inheritance. Observed: 1 variant allele, 1 heterozygote.
Comment: This study involves interpretation of variants in research participants for the purpose of population health screening. Participant phenotype was not available at the time of variant classification. Additional details can be found in publication PMID: 35346344, PMCID: PMC8962531

Color Diagnostics, LLC DBA Color Health
Classification: Likely benign for Familial thoracic aortic aneurysm and aortic dissection. Last evaluated: 2019-06-13. Review status: criteria provided, single submitter. Criteria: ACMG Guidelines, 2015. Collection method: clinical testing. Allele origin: germline.